The following is an entry in ClinVar:

ClinVar aggregate classification (germline): Uncertain significance (1 of 4 stars; one submission).

Allele frequency attached by ClinVar (database versions not stated): TOPMed 0.00001.
gnomAD v4.1: 11 of 1,614,128 alleles (0.00068%); highest among the groups gnomAD compares: Middle Eastern, 0.016%; no homozygotes.

Submission:

Labcorp Genetics (formerly Invitae), Labcorp
Classification: Uncertain significance. Last evaluated: 2025-05-06. Review status: criteria provided, single submitter. Criteria: Invitae Variant Classification Sherloc (09022015). Collection method: clinical testing. Allele origin: germline.
Comment: This sequence change replaces alanine, which is neutral and non-polar, with valine, which is neutral and non-polar, at codon 628 of the MYH3 protein (p.Ala628Val). This variant is present in population databases (rs765604070, gnomAD 0.007%). This variant has not been reported in the literature in individuals affected with MYH3-related conditions. ClinVar contains an entry for this variant (Variation ID: 2975935). Invitae Evidence Modeling of protein sequence and biophysical properties (such as structural, functional, and spatial information, amino acid conservation, physicochemical variation, residue mobility, and thermodynamic stability) indicates that this missense variant is not expected to disrupt MYH3 protein function with a negative predictive value of 95%. In summary, the available evidence is currently insufficient to determine the role of this variant in disease. Therefore, it has been classified as a Variant of Uncertain Significance.

NM_002470.4(MYH3):c.1883C>T (p.Ala628Val)

Gene: MYH3 (myosin heavy chain 3; minus strand). Cytogenetic location: 17p13.1.
Variant type: single nucleotide variant.
Coding change: c.1883C>T on transcript NM_002470.4 (MANE Select); coding-DNA position 1883, C replaced by T.
Protein change: p.Ala628Val; replaces alanine 628 with valine.
Molecular consequence: missense variant.
Genome position (GRCh38, 1-based): chr17:10,642,422, G>A on the plus strand (C>T on the coding strand, the complement: MYH3 is on the minus strand). VCF-style: chr17-10642422-G-A. GRCh37 (hg19) VCF-style: chr17-10545739-G-A.
Other names: short protein forms A628V.
Identifiers: ClinVar variation 2975935 (VCV002975935.3), dbSNP rs765604070, ClinGen allele CA8392924.
Genomic context (GRCh38, chr17:10,642,422, plus strand): 5'-TGTTACTGTGGAACAAATGGAGGGAAATCACATGGACACAAAGCACTCCTCTTACCATCC[G>A]CCGTGGCAAACGTGGCATAGAGGTGTGCCAGGAGCCTGTTGGAAGACTTCTGGTACAGCC-3'
Protein context (NP_002461.2, residues 618-638): LAHLYATFAT[Ala628Val]DADSGKKKVA